The following is an entry in ClinVar:

NM_001281740.3(FHOD3):c.1249G>A (p.Glu417Lys)

Gene: FHOD3 (formin homology 2 domain containing 3; plus strand). Cytogenetic location: 18q12.2.
Variant type: single nucleotide variant.
Coding change: c.1249G>A on transcript NM_001281740.3 (MANE Select); coding-DNA position 1249, G replaced by A.
Protein change: p.Glu417Lys; replaces glutamic acid 417 with lysine.
Molecular consequence: missense variant. On other transcripts: intron variant (2).
Genome position (GRCh38, 1-based): chr18:36,649,368, G>A. VCF-style: chr18-36649368-G-A. GRCh37 (hg19) VCF-style: chr18-34229331-G-A.
Other names: c.1197-8707G>A (NM_025135.5, NM_001281739.3); short protein forms E417K.
Identifiers: ClinVar variation 4986597 (VCV004986597.1).
Genomic context (GRCh38, chr18:36,649,368, plus strand): 5'-TGTCTCAGGGAGGAGGAGGAGGAAGAGGAGCAGCCAATCACGGAGCCCAGTTCCGAAGAA[G>A]AGAGAGAGGATGATGCTTCCTGTCAGGGCAAGGACAGGTACCTAGGACTGGAGCCTCCCA-3'
Protein context (NP_001268669.1, residues 407-427): QPITEPSSEE[Glu417Lys]REDDASCQGK

ClinVar aggregate classification (germline): Uncertain significance (1 of 4 stars; one submission).

Conditions:
FHOD3-related disorder. Also called: FHOD3-related condition.

gnomAD v4.1: 19 of 1,535,560 alleles (0.0012%); highest among the groups gnomAD compares: African/African-American, 0.0027%; no homozygotes.

Submission:

PreventionGenetics, part of Exact Sciences
Classification: Uncertain significance for FHOD3-related condition. Last evaluated: 2026-04-23. Review status: criteria provided, single submitter. Criteria: ACMG Guidelines, 2015. Collection method: clinical testing. Allele origin: germline.
Comment: The FHOD3 c.1249G>A variant is predicted to result in the amino acid substitution p.Glu417Lys. To our knowledge, this variant has not been reported in the literature or in population databases. At this time, the clinical significance of this variant is uncertain due to the absence of conclusive functional and genetic evidence.